The following is an entry in ClinVar:

NM_015355.4(SUZ12):c.1468T>C (p.Ser490Pro)

Gene: SUZ12 (SUZ12 polycomb repressive complex 2 subunit; plus strand). Cytogenetic location: 17q11.2.
Variant type: single nucleotide variant.
Coding change: c.1468T>C on transcript NM_015355.4 (MANE Select); coding-DNA position 1468, T replaced by C.
Protein change: p.Ser490Pro; replaces serine 490 with proline.
Molecular consequence: missense variant.
Genome position (GRCh38, 1-based): chr17:31,994,594, T>C. VCF-style: chr17-31994594-T-C. GRCh37 (hg19) VCF-style: chr17-30321613-T-C.
Other names: c.1399T>C, p.Ser467Pro (NM_001321207.2); short protein forms S467P, S490P.
Identifiers: ClinVar variation 3661276 (VCV003661276.2).

ClinVar aggregate classification (germline): Uncertain significance (1 of 4 stars; one submission).

Submission:

Labcorp Genetics (formerly Invitae), Labcorp
Classification: Uncertain significance. Last evaluated: 2024-08-02. Review status: criteria provided, single submitter. Criteria: Invitae Variant Classification Sherloc (09022015). Collection method: clinical testing. Allele origin: germline.
Comment: This sequence change replaces serine, which is neutral and polar, with proline, which is neutral and non-polar, at codon 490 of the SUZ12 protein (p.Ser490Pro). This variant is not present in population databases (gnomAD no frequency). This variant has not been reported in the literature in individuals affected with SUZ12-related conditions. Advanced modeling of protein sequence and biophysical properties (such as structural, functional, and spatial information, amino acid conservation, physicochemical variation, residue mobility, and thermodynamic stability) performed at Invitae indicates that this missense variant is expected to disrupt SUZ12 protein function with a positive predictive value of 80%. In summary, the available evidence is currently insufficient to determine the role of this variant in disease. Therefore, it has been classified as a Variant of Uncertain Significance.